The following is an entry in ClinVar:

ClinVar aggregate classification (germline): Uncertain significance (1 of 4 stars; one submission).

Submission:

GeneDx
Classification: Uncertain significance. Last evaluated: 2019-12-05. Review status: criteria provided, single submitter. Criteria: GeneDx Variant Classification Process June 2021. Collection method: clinical testing. Allele origin: germline. Affected: yes.
Comment: Not observed in large population cohorts (Lek et al., 2016); In silico analysis, which includes protein predictors and evolutionary conservation, supports a deleterious effect; Has not been previously published as pathogenic or benign to our knowledge

NM_007118.4(TRIO):c.2938T>C (p.Tyr980His)

Gene: TRIO (trio Rho guanine nucleotide exchange factor; plus strand). Cytogenetic location: 5p15.2.
Variant type: single nucleotide variant.
Coding change: c.2938T>C on transcript NM_007118.4 (MANE Select); coding-DNA position 2938, T replaced by C.
Protein change: p.Tyr980His; replaces tyrosine 980 with histidine.
Molecular consequence: missense variant. On other transcripts: non-coding transcript variant (1).
Genome position (GRCh38, 1-based): chr5:14,368,771, T>C. VCF-style: chr5-14368771-T-C. GRCh37 (hg19) VCF-style: chr5-14368880-T-C.
Other names: short protein forms Y980H.
Identifiers: ClinVar variation 1310872 (VCV001310872.2), dbSNP rs2152343920, ClinGen allele CA359215394.